The following is an entry in ClinVar:

ClinVar aggregate classification (germline): Uncertain significance (1 of 4 stars; one submission).

Allele frequency attached by ClinVar (database versions not stated): gnomAD exomes below 0.00001; ExAC 0.00001; gnomAD 0.00001; TOPMed 0.00002.
gnomAD v4.1: 3 of 1,612,476 alleles (0.00019%); highest among the groups gnomAD compares: African/African-American, 0.0027%; no homozygotes.

Submission:

Labcorp Genetics (formerly Invitae), Labcorp
Classification: Uncertain significance. Last evaluated: 2024-01-19. Review status: criteria provided, single submitter. Criteria: Invitae Variant Classification Sherloc (09022015). Collection method: clinical testing. Allele origin: germline.
Comment: This sequence change replaces leucine, which is neutral and non-polar, with proline, which is neutral and non-polar, at codon 1281 of the NLRP1 protein (p.Leu1281Pro). This variant is not present in population databases (gnomAD no frequency). This variant has not been reported in the literature in individuals affected with NLRP1-related conditions. Algorithms developed to predict the effect of missense changes on protein structure and function output the following: SIFT: "Not Available"; PolyPhen-2: "Probably Damaging"; Align-GVGD: "Not Available". The proline amino acid residue is found in multiple mammalian species, which suggests that this missense change does not adversely affect protein function. In summary, the available evidence is currently insufficient to determine the role of this variant in disease. Therefore, it has been classified as a Variant of Uncertain Significance.

NM_033004.4(NLRP1):c.3842T>C (p.Leu1281Pro)

Gene: NLRP1 (NLR family pyrin domain containing 1; minus strand). Cytogenetic location: 17p13.2.
Variant type: single nucleotide variant.
Coding change: c.3842T>C on transcript NM_033004.4 (MANE Select); coding-DNA position 3842, T replaced by C.
Protein change: p.Leu1281Pro; replaces leucine 1281 with proline.
Molecular consequence: missense variant. On other transcripts: intron variant (2).
Genome position (GRCh38, 1-based): chr17:5,520,954, A>G on the plus strand (T>C on the coding strand, the complement: NLRP1 is on the minus strand). VCF-style: chr17-5520954-A-G. GRCh37 (hg19) VCF-style: chr17-5424274-A-G.
Other names: c.3854T>C, p.Leu1285Pro (NM_001033053.3); c.3752T>C, p.Leu1251Pro (NM_033006.4); c.3693+570T>C (NM_033007.4); c.3783+570T>C (NM_014922.5); short protein forms L1281P, L1285P, L1251P.
Identifiers: ClinVar variation 2970421 (VCV002970421.3), dbSNP rs780135559, ClinGen allele CA8326722.